The following is an entry in ClinVar:

ClinVar aggregate classification (germline): Uncertain significance. Review status: criteria provided, multiple submitters, no conflicts (2 of 4 stars). 2 submissions from 2 submitters: Uncertain significance (2). Last evaluated 2025-11-27.

Conditions:
Hereditary cancer-predisposing syndrome. Also called: Tumor predisposition; Hereditary neoplastic syndrome; Hereditary Cancer Syndrome; Neoplastic Syndromes, Hereditary. Identifiers: Orphanet 140162, MedGen C0027672, MeSH D009386, MONDO:0015356.
Familial cancer of breast. Also called: BREAST CANCER, FAMILIAL; Hereditary breast cancer; hereditary breast carcinoma. Identifiers: Orphanet 227535, MedGen C0346153, MONDO:0016419, OMIM 114480. Disease mechanism: loss of function.

Allele frequency attached by ClinVar (database versions not stated): gnomAD exomes below 0.00001.
gnomAD v4.1: 1 of 1,612,754 alleles (0.000062%); highest among the groups gnomAD compares: Admixed American, 0.0017%; no homozygotes.

Submissions (2):

Ambry Genetics
Classification: Uncertain significance for Hereditary cancer-predisposing syndrome. Last evaluated: 2025-11-27. Review status: criteria provided, single submitter. Criteria: Ambry Variant Classification Scheme 2023. Collection method: clinical testing. Allele origin: germline.
Comment: The p.S186I variant (also known as c.557G>T), located in coding exon 4 of the BARD1 gene, results from a G to T substitution at nucleotide position 557. The serine at codon 186 is replaced by isoleucine, an amino acid with dissimilar properties. This amino acid position is not well conserved in available vertebrate species. In addition, this alteration is predicted to be tolerated by in silico analysis. Based on the available evidence, the clinical significance of this variant remains unclear.

Labcorp Genetics (formerly Invitae), Labcorp
Classification: Uncertain significance for Familial cancer of breast. Last evaluated: 2025-11-05. Review status: criteria provided, single submitter. Criteria: Invitae Variant Classification Sherloc (09022015). Collection method: clinical testing. Allele origin: germline.
Comment: This sequence change replaces serine, which is neutral and polar, with isoleucine, which is neutral and non-polar, at codon 186 of the BARD1 protein (p.Ser186Ile). This variant is not present in population databases (gnomAD no frequency). This variant has not been reported in the literature in individuals affected with BARD1-related conditions. ClinVar contains an entry for this variant (Variation ID: 961553). An algorithm developed to predict the effect of missense changes on protein structure and function (PolyPhen-2) suggests that this variant is likely to be tolerated. Algorithms developed to predict the effect of sequence changes on RNA splicing suggest that this variant may create or strengthen a splice site. In summary, the available evidence is currently insufficient to determine the role of this variant in disease. Therefore, it has been classified as a Variant of Uncertain Significance.

NM_000465.4(BARD1):c.557G>T (p.Ser186Ile)

Gene: BARD1 (BRCA1 associated RING domain 1; minus strand). Cytogenetic location: 2q35.
Variant type: single nucleotide variant.
Coding change: c.557G>T on transcript NM_000465.4 (MANE Select); coding-DNA position 557, G replaced by T.
Protein change: p.Ser186Ile; replaces serine 186 with isoleucine.
Molecular consequence: missense variant. On other transcripts: non-coding transcript variant (2), intron variant (3).
Genome position (GRCh38, 1-based): chr2:214,781,317, C>A on the plus strand (G>T on the coding strand, the complement: BARD1 is on the minus strand). VCF-style: chr2-214781317-C-A. GRCh37 (hg19) VCF-style: chr2-215646041-C-A.
Other names: c.500G>T, p.Ser167Ile (NM_001282543.2); c.158+28095G>T (NM_001282548.2); c.215+15744G>T (NM_001282545.2); c.364+10980G>T (NM_001282549.2); short protein forms S186I, S167I.
Identifiers: ClinVar variation 961553 (VCV000961553.13), dbSNP rs1553622620, ClinGen allele CA350457394.